The following is an entry in ClinVar:

ClinVar aggregate classification (germline): Uncertain significance (1 of 4 stars; one submission).

Conditions:
Hereditary sensory neuropathy-deafness-dementia syndrome. Also called: HSN IE; Hereditary sensory neuropathy type IE; NEUROPATHY, HEREDITARY SENSORY, WITH HEARING LOSS AND DEMENTIA; Hereditary Sensory and Autonomic Neuropathy Type 1E (HSAN1E). Identifiers: Orphanet 456318, MedGen C3279885, MONDO:0013584, OMIM 614116.

Submission:

Labcorp Genetics (formerly Invitae), Labcorp
Classification: Uncertain significance for Hereditary sensory neuropathy-deafness-dementia syndrome. Last evaluated: 2023-10-06. Review status: criteria provided, single submitter. Criteria: Invitae Variant Classification Sherloc (09022015). Collection method: clinical testing. Allele origin: germline.
Comment: This sequence change replaces glutamic acid, which is acidic and polar, with lysine, which is basic and polar, at codon 862 of the DNMT1 protein (p.Glu862Lys). This variant is not present in population databases (gnomAD no frequency). This variant has not been reported in the literature in individuals affected with DNMT1-related conditions. An algorithm developed to predict the effect of missense changes on protein structure and function (PolyPhen-2) suggests that this variant is likely to be tolerated. In summary, the available evidence is currently insufficient to determine the role of this variant in disease. Therefore, it has been classified as a Variant of Uncertain Significance.

NM_001130823.3(DNMT1):c.2584G>A (p.Glu862Lys)

Gene: DNMT1 (DNA methyltransferase 1; minus strand). Cytogenetic location: 19p13.2.
Variant type: single nucleotide variant.
Coding change: c.2584G>A on transcript NM_001130823.3 (MANE Select); coding-DNA position 2584, G replaced by A.
Protein change: p.Glu862Lys; replaces glutamic acid 862 with lysine.
Molecular consequence: missense variant.
Genome position (GRCh38, 1-based): chr19:10,149,455, C>T on the plus strand (G>A on the coding strand, the complement: DNMT1 is on the minus strand). VCF-style: chr19-10149455-C-T. GRCh37 (hg19) VCF-style: chr19-10260131-C-T.
Other names: c.2536G>A, p.Glu846Lys (NM_001318730.2, NM_001379.4); c.2221G>A, p.Glu741Lys (NM_001318731.2); short protein forms E741K, E846K, E862K.
Identifiers: ClinVar variation 2766282 (VCV002766282.3), dbSNP rs2513807408, ClinGen allele CA403928456.
Genomic context (GRCh38, chr19:10,149,455, plus strand): 5'-CGTCAGCAGTGACCCTCCACGATAAGGCAGGGGCTCACGAGGGACACCAGGCACTCACCT[C>T]CATGGCCCAGTTTTCGGAGGGGGCTTTGTAGATGACTTTCACTTTGCTGTGGATATATGA-3'
Protein context (NP_001124295.1, residues 852-872): YKAPSENWAM[Glu862Lys]GGMDPESLLE